The following is an entry in ClinVar:

NM_007294.4(BRCA1):c.4130G>A (p.Ser1377Asn)

Gene: BRCA1 (BRCA1 DNA repair associated; minus strand). Cytogenetic location: 17q21.31.
Variant type: single nucleotide variant.
Coding change: c.4130G>A on transcript NM_007294.4 (MANE Select); coding-DNA position 4130, G replaced by A.
Protein change: p.Ser1377Asn; replaces serine 1377 with asparagine.
Molecular consequence: missense variant. On other transcripts: non-coding transcript variant (1).
Genome position (GRCh38, 1-based): chr17:43,090,999, C>T on the plus strand (G>A on the coding strand, the complement: BRCA1 is on the minus strand). VCF-style: chr17-43090999-C-T. GRCh37 (hg19) VCF-style: chr17-41243016-C-T.
Other names: c.4130G>A, p.Ser1377Asn (NM_001407594.1, NM_001407596.1, NM_001407597.1 and 30 more transcripts); c.4127G>A, p.Ser1376Asn (NM_001407591.1, NM_001407610.1, NM_001407587.1 and 22 more transcripts); c.3917G>A, p.Ser1306Asn (NM_001407571.1, NM_001407853.1, NM_001407894.1 and 9 more transcripts); c.485G>A, p.Ser162Asn (NM_001408508.1, NM_001408509.1); c.440G>A, p.Ser147Asn (NM_001408510.1); c.437G>A, p.Ser146Asn (NM_001408511.1); c.317G>A, p.Ser106Asn (NM_001408512.1); c.611G>A, p.Ser204Asn (NM_001408513.1, NM_001408514.1, NM_001408478.1 and 9 more transcripts); and 41 more; short protein forms S1377N, S274N, S1330N, S1265N, S1288N, S1310N, S1329N, S146N.
Identifiers: ClinVar variation 627743 (VCV000627743.9), dbSNP rs1567788442, ClinGen allele CA10593465.
Genomic context (GRCh38, chr17:43,090,999, plus strand): 5'-TTTACCTGAGTGGTTAAAATGTCACTCTGAGAGGATAGCCCTGAGCAGTCTTCAGAGACG[C>T]TTGTTTCACTCTCACACCCAGATGCTGCTTCACCTTAAATAACAAAAACAGAGGTTCAGA-3'
Protein context (NP_009225.1, residues 1367-1387): EAASGCESET[Ser1377Asn]VSEDCSGLSS

ClinVar aggregate classification (germline): Conflicting classifications of pathogenicity. Review status: criteria provided, conflicting classifications (1 of 4 stars). 3 submissions from 3 submitters: Uncertain significance (2); Likely benign (1). Last evaluated 2024-04-22.

Conditions:
Hereditary cancer-predisposing syndrome. Also called: Tumor predisposition; Hereditary Cancer Syndrome; Neoplastic Syndromes, Hereditary; Hereditary neoplastic syndrome. Identifiers: Orphanet 140162, MedGen C0027672, MeSH D009386, MONDO:0015356.
Hereditary breast ovarian cancer syndrome. Also called: BRCA1- and BRCA2-Associated Hereditary Breast and Ovarian Cancer; Hereditary breast and ovarian cancer syndrome; Hereditary breast and ovarian cancer; Hereditary breast and ovarian cancer syndrome (HBOC); Hereditary breast and/or ovarian cancer syndrome; Breast and ovarian cancer. Identifiers: Orphanet 145, MedGen C0677776, MeSH D061325, MONDO:0003582. Disease mechanism: loss of function.

Submissions (3):

Labcorp Genetics (formerly Invitae), Labcorp
Classification: Uncertain significance for Hereditary breast ovarian cancer syndrome. Last evaluated: 2024-04-22. Review status: criteria provided, single submitter. Criteria: Invitae Variant Classification Sherloc (09022015). Collection method: clinical testing. Allele origin: germline.
Comment: This sequence change replaces serine, which is neutral and polar, with asparagine, which is neutral and polar, at codon 1377 of the BRCA1 protein (p.Ser1377Asn). This variant is not present in population databases (gnomAD no frequency). This variant has not been reported in the literature in individuals affected with BRCA1-related conditions. ClinVar contains an entry for this variant (Variation ID: 627743). Advanced modeling of protein sequence and biophysical properties (such as structural, functional, and spatial information, amino acid conservation, physicochemical variation, residue mobility, and thermodynamic stability) performed at Invitae indicates that this missense variant is not expected to disrupt BRCA1 protein function with a negative predictive value of 95%. In summary, the available evidence is currently insufficient to determine the role of this variant in disease. Therefore, it has been classified as a Variant of Uncertain Significance.

Ambry Genetics
Classification: Likely benign for Hereditary cancer-predisposing syndrome. Last evaluated: 2021-01-21. Review status: criteria provided, single submitter. Criteria: Ambry Variant Classification Scheme 2023. Collection method: clinical testing. Allele origin: germline.

Color Diagnostics, LLC DBA Color Health
Classification: Uncertain significance for Hereditary cancer-predisposing syndrome. Last evaluated: 2019-04-23. Review status: criteria provided, single submitter. Criteria: ACMG Guidelines, 2015. Collection method: clinical testing. Allele origin: germline.